The following is an entry in ClinVar:

ClinVar aggregate classification (germline): Benign (1 of 4 stars; one submission).

Conditions:
Sessile serrated polyposis cancer syndrome (SSPCS). Identifiers: Orphanet 157798, MedGen C4310714, MONDO:0014919, OMIM 617108.

Submission:

Myriad Genetics, Inc.
Classification: Benign for Sessile serrated polyposis cancer syndrome. Last evaluated: 2026-07-02. Review status: criteria provided, single submitter. Criteria: Myriad Autosomal Dominant, Autosomal Recessive and X-Linked Classification Criteria (2023). Collection method: clinical testing. Allele origin: unknown.
Comment: This variant is considered benign. This variant is a silent/synonymous amino acid change and it is not expected to impact splicing.

NM_017763.6(RNF43):c.2043T>C (p.Phe681=)

Gene: RNF43 (ring finger protein 43; minus strand). Cytogenetic location: 17q22.
Variant type: single nucleotide variant.
Coding change: c.2043T>C on transcript NM_017763.6 (MANE Select); coding-DNA position 2043, T replaced by C.
Protein change: p.Phe681=; no amino-acid change (phenylalanine 681 retained).
Molecular consequence: synonymous variant.
Genome position (GRCh38, 1-based): chr17:58,357,733, A>G on the plus strand (T>C on the coding strand, the complement: RNF43 is on the minus strand). VCF-style: chr17-58357733-A-G. GRCh37 (hg19) VCF-style: chr17-56435094-A-G.
Other names: c.2043T>C, p.Phe681= (NM_001305544.3, NM_001438820.1, NM_001438821.1 and 1 more transcripts); c.1662T>C, p.Phe554= (NM_001305545.2, NM_001437987.1).
Identifiers: ClinVar variation 5042451 (VCV005042451.1).